The following is an entry in ClinVar:

ClinVar aggregate classification (germline): Uncertain significance. Review status: criteria provided, multiple submitters, no conflicts (2 of 4 stars). 2 submissions from 2 submitters: Uncertain significance (2). Last evaluated 2025-04-10.

Conditions:
Inborn genetic diseases. Identifiers: MedGen C0950123, MeSH D030342.

Allele frequency attached by ClinVar (database versions not stated): gnomAD exomes 0.00001; 1000 Genomes Project 30x 0.00016.
gnomAD v4.1: 16 of 1,570,138 alleles (0.001%); highest among the groups gnomAD compares: Admixed American, 0.0091%; no homozygotes.

Submissions (2):

Ambry Genetics
Classification: Uncertain significance for Inborn genetic diseases. Last evaluated: 2025-04-10. Review status: criteria provided, single submitter. Criteria: Ambry Variant Classification Scheme 2023. Collection method: clinical testing. Allele origin: germline.

Labcorp Genetics (formerly Invitae), Labcorp
Classification: Uncertain significance. Last evaluated: 2022-06-13. Review status: criteria provided, single submitter. Criteria: Invitae Variant Classification Sherloc (09022015). Collection method: clinical testing. Allele origin: germline.
Comment: In summary, the available evidence is currently insufficient to determine the role of this variant in disease. Therefore, it has been classified as a Variant of Uncertain Significance. Algorithms developed to predict the effect of missense changes on protein structure and function are either unavailable or do not agree on the potential impact of this missense change (SIFT: "Deleterious"; PolyPhen-2: "Benign"; Align-GVGD: "Class C0"). This variant has not been reported in the literature in individuals affected with FOXA2-related conditions. The frequency data for this variant in the population databases is considered unreliable, as metrics indicate poor data quality at this position in the gnomAD database. This sequence change replaces serine, which is neutral and polar, with leucine, which is neutral and non-polar, at codon 99 of the FOXA2 protein (p.Ser99Leu).

NM_021784.5(FOXA2):c.296C>T (p.Ser99Leu)

Gene: FOXA2 (forkhead box A2; minus strand). Cytogenetic location: 20p11.21.
Variant type: single nucleotide variant.
Coding change: c.296C>T on transcript NM_021784.5 (MANE Select); coding-DNA position 296, C replaced by T.
Protein change: p.Ser99Leu; replaces serine 99 with leucine.
Molecular consequence: missense variant.
Genome position (GRCh38, 1-based): chr20:22,582,946, G>A on the plus strand (C>T on the coding strand, the complement: FOXA2 is on the minus strand). VCF-style: chr20-22582946-G-A. GRCh37 (hg19) VCF-style: chr20-22563584-G-A.
Other names: c.296C>T (NM_021784.4); c.278C>T, p.Ser93Leu (NM_153675.3); short protein forms S93L, S99L.
Identifiers: ClinVar variation 1930296 (VCV001930296.6), dbSNP rs200457711, ClinGen allele CA313137800.